The following is an entry in ClinVar:

NM_001308093.3(GATA4):c.369_374del (p.Ala125_Ala126del)

Gene: GATA4 (GATA binding protein 4). Cytogenetic location: 8p23.1.
Variant type: Deletion.
Coding change: c.369_374del on transcript NM_001308093.3 (MANE Select); coding-DNA positions 369 to 374, 6 bases deleted.
Protein change: p.Ala125_Ala126del.
Molecular consequence: inframe deletion. On other transcripts: intron variant (3).
Genome position: GRCh38 VCF-style: chr8-11708675-CGCCGCT-C. GRCh37 (hg19) VCF-style: chr8-11566184-CGCCGCT-C.
Other names: c.369_374del, p.Ala125_Ala126del (NM_002052.5); c.-6+7903_-6+7908del (NM_001308094.2); c.-3+667_-3+672del (NM_001374274.1); c.-3+4377_-3+4382del (NM_001374273.1).
Identifiers: ClinVar variation 4739313 (VCV004739313.1).

ClinVar aggregate classification (germline): Uncertain significance (1 of 4 stars; one submission).

Conditions:
Atrioventricular septal defect 4 (AVSD4). Identifiers: MedGen C3280781, MONDO:0013747, OMIM 614430.

Submission:

Labcorp Genetics (formerly Invitae), Labcorp
Classification: Uncertain significance for Atrioventricular septal defect 4. Last evaluated: 2025-04-01. Review status: criteria provided, single submitter. Criteria: Invitae Variant Classification Sherloc (09022015). Collection method: clinical testing. Allele origin: germline.
Comment: This variant, c.369_374del, results in the deletion of 2 amino acid(s) of the GATA4 protein (p.Ala125_Ala126del), but otherwise preserves the integrity of the reading frame. This variant is not present in population databases (gnomAD no frequency). This variant has not been reported in the literature in individuals affected with GATA4-related conditions. Experimental studies and prediction algorithms are not available or were not evaluated, and the functional significance of this variant is currently unknown. In summary, the available evidence is currently insufficient to determine the role of this variant in disease. Therefore, it has been classified as a Variant of Uncertain Significance.